The following is an entry in ClinVar:

NM_000059.4(BRCA2):c.486G>A (p.Gly162=)

Gene: BRCA2 (BRCA2 DNA repair associated; plus strand). Cytogenetic location: 13q13.1.
Variant type: single nucleotide variant.
Coding change: c.486G>A on transcript NM_000059.4 (MANE Select); coding-DNA position 486, G replaced by A.
Protein change: p.Gly162=; no amino-acid change (glycine 162 retained).
Molecular consequence: synonymous variant.
Genome position (GRCh38, 1-based): chr13:32,326,252, G>A. VCF-style: chr13-32326252-G-A. GRCh37 (hg19) VCF-style: chr13-32900389-G-A.
Identifiers: ClinVar variation 509750 (VCV000509750.10), dbSNP rs1555280987, ClinGen allele CA483273731.
Genomic context (GRCh38, chr13:32,326,252, plus strand): 5'-AATGTTAATAAAAATAAAACTTAACAATTTTCCCCTTTTTTTACCCCCAGTGGTATGTGG[G>A]AGTTTGTTTCATACACCAAAGTTTGTGAAGGTAAATATTCTACCTGGTTTATTTTTATGA-3'
Protein context (NP_000050.3, residues 152-172): TPQRDKSVVC[Gly162=]SLFHTPKFVK

ClinVar aggregate classification (germline): Likely benign. Review status: criteria provided, multiple submitters, no conflicts (2 of 4 stars). 2 submissions from 2 submitters: Likely benign (2). Last evaluated 2019-04-09.

Conditions:
Hereditary breast ovarian cancer syndrome. Also called: Hereditary breast and ovarian cancer syndrome; Breast and ovarian cancer; BRCA1- and BRCA2-Associated Hereditary Breast and Ovarian Cancer; Hereditary breast and ovarian cancer syndrome (HBOC); Hereditary breast and/or ovarian cancer syndrome; Hereditary breast and ovarian cancer. Identifiers: Orphanet 145, MedGen C0677776, MeSH D061325, MONDO:0003582. Disease mechanism: loss of function.

Submissions (2):

Labcorp Genetics (formerly Invitae), Labcorp
Classification: Likely benign for Hereditary breast ovarian cancer syndrome. Last evaluated: 2019-04-09. Review status: criteria provided, single submitter. Criteria: Invitae Variant Classification Sherloc (09022015). Collection method: clinical testing. Allele origin: germline.

GeneDx
Classification: Likely benign. Last evaluated: 2017-05-22. Review status: criteria provided, single submitter. Criteria: GeneDx Variant Classification (06012015). Collection method: clinical testing. Allele origin: germline. Affected: yes.
Comment: This variant is considered likely benign or benign based on one or more of the following criteria: it is a conservative change, it occurs at a poorly conserved position in the protein, it is predicted to be benign by multiple in silico algorithms, and/or has population frequency not consistent with disease.